The following is an entry in ClinVar:

NM_144596.4(TTC8):c.1052G>C (p.Arg351Pro)

Gene: TTC8 (tetratricopeptide repeat domain 8; plus strand). Cytogenetic location: 14q31.3.
Variant type: single nucleotide variant.
Coding change: c.1052G>C on transcript NM_144596.4 (MANE Select); coding-DNA position 1052, G replaced by C.
Protein change: p.Arg351Pro; replaces arginine 351 with proline.
Molecular consequence: missense variant. On other transcripts: non-coding transcript variant (1).
Genome position (GRCh38, 1-based): chr14:88,871,551, G>C. VCF-style: chr14-88871551-G-C. GRCh37 (hg19) VCF-style: chr14-89337895-G-C.
Other names: c.1100G>C, p.Arg367Pro (NM_001288781.1); c.458G>C, p.Arg153Pro (NM_001288782.1); c.335G>C, p.Arg112Pro (NM_001288783.1); c.1022G>C, p.Arg341Pro (NM_001366535.2, NM_198309.3); c.932G>C, p.Arg311Pro (NM_001366536.2, NM_198310.3); short protein forms R153P, R351P, R112P, R367P, R341P, R311P.
Identifiers: ClinVar variation 4988702 (VCV004988702.1).

ClinVar aggregate classification (germline): Uncertain significance (1 of 4 stars; one submission).

Conditions:
TTC8-related disorder. Also called: TTC8-related condition.

Submission:

PreventionGenetics, part of Exact Sciences
Classification: Uncertain significance for TTC8-related condition. Last evaluated: 2026-06-29. Review status: criteria provided, single submitter. Criteria: ACMG Guidelines, 2015. Collection method: clinical testing. Allele origin: germline.
Comment: The TTC8 c.1052G>C variant is predicted to result in the amino acid substitution p.Arg351Pro. To our knowledge, this variant has not been reported in the literature or in a large population database (gnomAD), indicating this variant is rare. At this time, the clinical significance of this variant is uncertain due to the absence of conclusive functional and genetic evidence.